The following is an entry in ClinVar:

ClinVar aggregate classification (germline): Likely pathogenic. Review status: criteria provided, multiple submitters, no conflicts (2 of 4 stars). 3 submissions from 3 submitters: Likely pathogenic (3). Last evaluated 2026-09-01.

Conditions:
MPDZ-related disorder. Also called: MPDZ-related condition.
Hydrocephalus, nonsyndromic, autosomal recessive 2. Also called: Hydrocephalus, congenital, 2, with or without brain or eye anomalies. Identifiers: Orphanet 2185, MedGen C3554691, MONDO:0014085, OMIM 615219.

Allele frequency attached by ClinVar (database versions not stated): gnomAD exomes 0.00001 and 0.00003; ExAC 0.00002.
gnomAD v4.1: 45 of 1,593,562 alleles (0.0028%); highest among the groups gnomAD compares: Non-Finnish European, 0.0038%; no homozygotes.

Submissions (3):

PreventionGenetics, part of Exact Sciences
Classification: Likely pathogenic for MPDZ-related condition. Last evaluated: 2026-09-01. Review status: criteria provided, single submitter. Criteria: ACMG Guidelines, 2015. Collection method: clinical testing. Allele origin: germline.
Comment: The MPDZ c.3359+1G>A variant is predicted to disrupt the GT donor site and interfere with normal splicing. To our knowledge, this variant has not been reported in the literature. This variant is reported in 0.0027% of alleles in individuals of European (Non-Finnish) descent in gnomAD. Variants that disrupt the consensus donor splice site in MPDZ are expected to be pathogenic. This variant is interpreted as likely pathogenic.

Labcorp Genetics (formerly Invitae), Labcorp
Classification: Likely pathogenic. Last evaluated: 2024-10-18. Review status: criteria provided, single submitter. Criteria: Invitae Variant Classification Sherloc (09022015). Collection method: clinical testing. Allele origin: germline.
Comment: This sequence change affects a donor splice site in intron 23 of the MPDZ gene. It is expected to disrupt RNA splicing. Variants that disrupt the donor or acceptor splice site typically lead to a loss of protein function (PMID: 16199547), and loss-of-function variants in MPDZ are known to be pathogenic (PMID: 23240096, 28556411). This variant is present in population databases (rs775394111, gnomAD 0.003%). This variant has not been reported in the literature in individuals affected with MPDZ-related conditions. ClinVar contains an entry for this variant (Variation ID: 1519376). Algorithms developed to predict the effect of sequence changes on RNA splicing suggest that this variant may disrupt the consensus splice site. In summary, the currently available evidence indicates that the variant is pathogenic, but additional data are needed to prove that conclusively. Therefore, this variant has been classified as Likely Pathogenic.

Revvity Omics, Revvity
Classification: Likely pathogenic for Hydrocephalus, nonsyndromic, autosomal recessive 2. Last evaluated: 2024-06-28. Review status: criteria provided, single submitter. Criteria: ACMG Guidelines, 2015. Collection method: clinical testing. Allele origin: germline.

Literature cited by the submitters: PubMed 16199547 (cited by Labcorp Genetics (formerly Invitae), Labcorp); PubMed 23240096 (cited by Labcorp Genetics (formerly Invitae), Labcorp); PubMed 28556411 (cited by Labcorp Genetics (formerly Invitae), Labcorp).

NM_001378778.1(MPDZ):c.3359+1G>A

Gene: MPDZ (multiple PDZ domain crumbs cell polarity complex component; minus strand). Cytogenetic location: 9p23.
Variant type: single nucleotide variant.
Coding change: c.3359+1G>A on transcript NM_001378778.1 (MANE Select); the canonical splice donor site of the intron after coding-DNA position 3359, G replaced by A.
Molecular consequence: splice donor variant. On other transcripts: intron variant (1).
Genome position (GRCh38, 1-based): chr9:13,162,690, C>T on the plus strand (G>A on the coding strand, the complement: MPDZ is on the minus strand). VCF-style: chr9-13162690-C-T. GRCh37 (hg19) VCF-style: chr9-13162689-C-T.
Other names: c.3359+1G>A (NM_001375425.1, NM_001375420.1, NM_001375419.1 and 13 more transcripts); c.3254+5676G>A (NM_001375427.1).
Identifiers: ClinVar variation 1519376 (VCV001519376.9), dbSNP rs775394111, ClinGen allele CA4987156.